The following is an entry in ClinVar:

NM_001267550.2(TTN):c.78949del (p.Ser26317fs)

Genes: TTN (titin; minus strand), TTN-AS1 (TTN antisense RNA 1; plus strand). Cytogenetic location: 2q31.2.
Variant type: Deletion.
Coding change: c.78949del on transcript NM_001267550.2 (MANE Select); coding-DNA position 78949, one base deleted (A; older notation c.78949delA).
Protein change: p.Ser26317fs; shifts the reading frame from serine 26317.
Molecular consequence: frameshift variant.
Genome position (GRCh38, 1-based): chr2:178,567,183, T deleted on the plus strand (A on the coding strand, the reverse complement: TTN is on the minus strand). VCF-style (leftmost placement, unchanged base first): chr2-178567182-CT-C. GRCh37 (hg19) VCF-style: chr2-179431909-CT-C.
Other names: c.74026del, p.Ser24676fs (NM_001256850.1); c.51754del, p.Ser17252fs (NM_003319.4); c.71245del, p.Ser23749fs (NM_133378.4); c.52129del, p.Ser17377fs (NM_133432.3); c.52330del, p.Ser17444fs (NM_133437.4); short protein forms S17252fs, S24676fs, S17444fs, S26317fs, S17377fs, S23749fs.
Identifiers: ClinVar variation 4784656 (VCV004784656.1).

ClinVar aggregate classification (germline): Likely pathogenic (1 of 4 stars; one submission).

Conditions:
Dilated cardiomyopathy 1G (CMD1G). Identifiers: Orphanet 154, MedGen C1858763, MONDO:0011400, OMIM 604145.
Autosomal recessive limb-girdle muscular dystrophy type 2J (LGMDR10). Also called: Limb-girdle muscular dystrophy, type 2J; MUSCULAR DYSTROPHY, LIMB-GIRDLE, AUTOSOMAL RECESSIVE 10. Identifiers: Orphanet 140922, MedGen C1837342, MONDO:0012127, OMIM 608807.

Submission:

Labcorp Genetics (formerly Invitae), Labcorp
Classification: Likely pathogenic for Dilated cardiomyopathy 1G; Autosomal recessive limb-girdle muscular dystrophy type 2J. Last evaluated: 2025-04-09. Review status: criteria provided, single submitter. Criteria: Invitae Variant Classification Sherloc (09022015). Collection method: clinical testing. Allele origin: germline.
Comment: This sequence change creates a premature translational stop signal (p.Ser26317Valfs*26) in the TTN gene. While this is not anticipated to result in nonsense mediated decay, it is expected to create a truncated TTN protein. This variant is not present in population databases (gnomAD no frequency). This variant has not been reported in the literature in individuals affected with TTN-related conditions. This variant is located in the A band of TTN (PMID: 25589632). Truncating variants in this region are significantly overrepresented in patients affected with dilated cardiomyopathy (PMID: 25589632). Truncating variants in this region have also been reported in individuals affected with autosomal recessive centronuclear myopathy (PMID: 23975875). In summary, the currently available evidence indicates that the variant is pathogenic, but additional data are needed to prove that conclusively. Therefore, this variant has been classified as Likely Pathogenic.

Literature cited by the submitters: PubMed 25589632; PubMed 23975875.